The following is an entry in ClinVar:

ClinVar aggregate classification (germline): Likely benign. Review status: criteria provided, multiple submitters, no conflicts (2 of 4 stars). 5 submissions from 5 submitters: Likely benign (5). Last evaluated 2026-09-01.

Allele frequency attached by ClinVar (database versions not stated): ESP Exome Variant Server 0.00098; gnomAD 0.00382 and 0.00408; gnomAD exomes 0.00564; 1000 Genomes Project 30x 0.00687; ExAC 0.01460.

Submissions (5):

CeGaT Center for Human Genetics Tuebingen
Classification: Likely benign. Last evaluated: 2026-09-01. Review status: criteria provided, single submitter. Criteria: CeGaT Center For Human Genetics Tuebingen Variant Classification Criteria Version 2. Collection method: clinical testing. Allele origin: germline. Affected: yes. Observed: 29 variant alleles.
Comment: TNXB: BP4, BP7, BS1

Mayo Clinic Laboratories, Mayo Clinic
Classification: Likely benign. Last evaluated: 2025-06-16. Review status: criteria provided, single submitter. Criteria: ACMG Guidelines, 2015. Collection method: clinical testing. Allele origin: germline. Observed: 52 variant alleles.
Comment: BS1, BP4, BP7

Blueprint Genetics
Classification: Likely benign. Last evaluated: 2024-11-26. Review status: criteria provided, single submitter. Criteria: ACMG Guidelines, 2015. Collection method: clinical testing. Allele origin: germline.

Breakthrough Genomics
Classification: Likely benign. Review status: criteria provided, single submitter. Criteria: ACMG Guidelines, 2015. Collection method: not provided. Allele origin: germline. Inheritance: Autosomal recessive inheritance. Affected: yes.

PreventionGenetics, part of Exact Sciences
Classification: Likely benign. Review status: criteria provided, single submitter. Criteria: ACMG Guidelines, 2015. Collection method: clinical testing. Allele origin: germline.

NM_001365276.2(TNXB):c.10677A>G (p.Leu3559=)

Genes: TNXB (tenascin XB; minus strand), LOC106780803 (tenascin XB recombination region; plus strand). Cytogenetic location: 6p21.33.
Variant type: single nucleotide variant.
Coding change: c.10677A>G on transcript NM_001365276.2 (MANE Select); coding-DNA position 10677, A replaced by G.
Protein change: p.Leu3559=; no amino-acid change (leucine 3559 retained).
Molecular consequence: synonymous variant. On other transcripts: 5 prime UTR variant (1).
Genome position (GRCh38, 1-based): chr6:32,045,256, T>C on the plus strand (A>G on the coding strand, the complement: TNXB is on the minus strand). VCF-style: chr6-32045256-T-C. GRCh37 (hg19) VCF-style: chr6-32013033-T-C.
Other names: p.Leu3557=; c.10671A>G, p.Leu3557= (NM_019105.8); c.-37A>G (NM_032470.4).
Identifiers: ClinVar variation 261097 (VCV000261097.34), dbSNP rs199757950, ClinGen allele CA3733176.